The following is an entry in ClinVar:

ClinVar aggregate classification (germline): Uncertain significance (1 of 4 stars; one submission).

Allele frequency attached by ClinVar (database versions not stated): TOPMed below 0.00001; gnomAD 0.00001; gnomAD exomes 0.00001.

Submission:

Ambry Genetics
Classification: Uncertain significance. Last evaluated: 2023-10-19. Review status: criteria provided, single submitter. Criteria: Ambry Variant Classification Scheme 2023. Collection method: clinical testing. Allele origin: germline.
Comment: The p.I277V variant (also known as c.829A>G), located in coding exon 3 of the TERF2IP gene, results from an A to G substitution at nucleotide position 829. The isoleucine at codon 277 is replaced by valine, an amino acid with highly similar properties. This amino acid position is conserved. In addition, this alteration is predicted to be tolerated by in silico analysis. Since supporting evidence is limited at this time, the clinical significance of this alteration remains unclear.

NM_018975.4(TERF2IP):c.829A>G (p.Ile277Val)

Gene: TERF2IP (TERF2 interacting protein; plus strand). Cytogenetic location: 16q23.1.
Variant type: single nucleotide variant.
Coding change: c.829A>G on transcript NM_018975.4 (MANE Select); coding-DNA position 829, A replaced by G.
Protein change: p.Ile277Val; replaces isoleucine 277 with valine.
Molecular consequence: missense variant. On other transcripts: non-coding transcript variant (1).
Genome position (GRCh38, 1-based): chr16:75,656,240, A>G. VCF-style: chr16-75656240-A-G. GRCh37 (hg19) VCF-style: chr16-75690138-A-G.
Other names: short protein forms I277V.
Identifiers: ClinVar variation 1762786 (VCV001762786.2), dbSNP rs2082384504, ClinGen allele CA396819671.
Genomic context (GRCh38, chr16:75,656,240, plus strand): 5'-GCTGGTTTTACTCATCATTCTGTCTAGGTGGATGAGAGCCCTCCTGATTTTGAAATACAT[A>G]TAACTATGTGTGATGATGATCCACCCACACCTGAGGAAGACTCAGAAACACAGCCTGATG-3'
Protein context (NP_061848.2, residues 267-287): DESPPDFEIH[Ile277Val]TMCDDDPPTP